The following is an entry in ClinVar:

NM_001042492.3(NF1):c.2410-3T>A

Gene: NF1 (neurofibromin 1; plus strand). Cytogenetic location: 17q11.2.
Variant type: single nucleotide variant.
Coding change: c.2410-3T>A on transcript NM_001042492.3 (MANE Select); 3 bases into the intron before coding-DNA position 2410, T replaced by A.
Molecular consequence: intron variant.
Genome position (GRCh38, 1-based): chr17:31,229,022, T>A. VCF-style: chr17-31229022-T-A. GRCh37 (hg19) VCF-style: chr17-29556040-T-A.
Other names: c.2410-3T>A (NM_000267.4).
Identifiers: ClinVar variation 5025579 (VCV005025579.1).

ClinVar aggregate classification (germline): Uncertain significance (1 of 4 stars; one submission).

Conditions:
Cardiovascular phenotype. Identifiers: MedGen CN230736.
Hereditary cancer-predisposing syndrome. Also called: Neoplastic Syndromes, Hereditary; Tumor predisposition; Hereditary neoplastic syndrome; Hereditary Cancer Syndrome. Identifiers: Orphanet 140162, MedGen C0027672, MeSH D009386, MONDO:0015356.

Submission:

Ambry Genetics
Classification: Uncertain significance for Cardiovascular phenotype; Hereditary cancer-predisposing syndrome. Last evaluated: 2026-07-22. Review status: criteria provided, single submitter. Criteria: Ambry Variant Classification Scheme 2023. Collection method: clinical testing. Allele origin: germline.
Comment: The c.2410-3T>A intronic variant results from a T to A substitution 3 nucleotides upstream from coding exon 21 in the NF1 gene. This nucleotide position is well conserved in available vertebrate species. In silico splice site analysis for this alteration is inconclusive. Based on the available evidence, the clinical significance of this variant remains unclear.